The following is an entry in ClinVar:

NM_021614.4(KCNN2):c.1138T>G (p.Leu380Val)

Gene: KCNN2 (potassium calcium-activated channel subfamily N member 2; plus strand). Cytogenetic location: 5q22.3.
Variant type: single nucleotide variant.
Coding change: c.1138T>G on transcript NM_021614.4 (MANE Select); coding-DNA position 1138, T replaced by G.
Protein change: p.Leu380Val; replaces leucine 380 with valine.
Molecular consequence: missense variant. On other transcripts: non-coding transcript variant (1).
Genome position (GRCh38, 1-based): chr5:114,363,921, T>G. VCF-style: chr5-114363921-T-G. GRCh37 (hg19) VCF-style: chr5-113699618-T-G.
Other names: c.1336T>G, p.Leu446Val (NM_001372233.1); short protein forms L380V, L446V.
Identifiers: ClinVar variation 5018034 (VCV005018034.1).

ClinVar aggregate classification (germline): Uncertain significance (1 of 4 stars; one submission).

Submission:

GeneDx
Classification: Uncertain significance. Last evaluated: 2026-03-31. Review status: criteria provided, single submitter. Criteria: GeneDx Variant Classification Process June 2021. Collection method: clinical testing. Allele origin: germline.
Comment: Not observed at significant frequency in large population cohorts (gnomAD); In silico analysis suggests that this missense variant does not alter protein structure/function; Has not been previously published as pathogenic or benign to our knowledge